The following is an entry in ClinVar:

ClinVar aggregate classification (germline): Likely pathogenic. Review status: criteria provided, single submitter (1 of 4 stars). 2 submissions from 2 submitters: Likely pathogenic (1). 1 of the submissions does not count toward it. Last evaluated 2024-05-22.

Conditions:
Isolated cryptophthalmia. Also called: Cryptophthalmos, unilateral or bilateral, isolated; ANKYLOBLEPHARON, SIMPLE. Identifiers: Orphanet 91396, MedGen C1852453, MONDO:0007410, OMIM 123570.
Fraser syndrome 2 (FRASRS2). Identifiers: MedGen C4540036, MONDO:0054738, OMIM 617666.
FREM2-related disorder. Also called: FREM2-related condition.

Allele frequency attached by ClinVar (database versions not stated): gnomAD exomes below 0.00001 and 0.00001; ExAC 0.00001.
gnomAD v4.1: 3 of 1,614,174 alleles (0.00019%); highest among the groups gnomAD compares: South Asian, 0.0011%; no homozygotes.

Submissions (2):

Fulgent Genetics
Classification: Likely pathogenic for Isolated cryptophthalmia; Fraser syndrome 2. Last evaluated: 2024-05-22. Review status: criteria provided, single submitter. Criteria: ACMG Guidelines, 2015. Collection method: clinical testing. Allele origin: germline.

PreventionGenetics, part of Exact Sciences
Classification: Likely pathogenic for FREM2-related condition. Last evaluated: 2024-02-06. Review status: no assertion criteria provided. Collection method: clinical testing. Allele origin: germline. Not counted in ClinVar's aggregate classification.
Comment: The FREM2 c.2608C>T variant is predicted to result in premature protein termination (p.Gln870*). To our knowledge, this variant has not been reported in the literature. This variant is reported in 0.0018% of alleles in individuals of European (Non-Finnish) descent in gnomAD. Nonsense variants in FREM2 are expected to be pathogenic. This variant is interpreted as likely pathogenic.

NM_207361.6(FREM2):c.2608C>T (p.Gln870Ter)

Gene: FREM2 (FRAS1 related extracellular matrix 2; plus strand). Cytogenetic location: 13q13.3.
Variant type: single nucleotide variant.
Coding change: c.2608C>T on transcript NM_207361.6 (MANE Select); coding-DNA position 2608, C replaced by T.
Protein change: p.Gln870Ter; replaces glutamine 870 with a stop codon.
Molecular consequence: nonsense.
Genome position (GRCh38, 1-based): chr13:38,689,952, C>T. VCF-style: chr13-38689952-C-T. GRCh37 (hg19) VCF-style: chr13-39264089-C-T.
Other names: c.2608C>T (NM_207361.5); short protein forms Q870*.
Identifiers: ClinVar variation 631701 (VCV000631701.7), dbSNP rs750020230, ClinGen allele CA6954641.